The following is an entry in ClinVar:

NM_001854.4(COL11A1):c.4708C>T (p.Leu1570Phe)

Gene: COL11A1 (collagen type XI alpha 1 chain; minus strand). Cytogenetic location: 1p21.1.
Variant type: single nucleotide variant.
Coding change: c.4708C>T on transcript NM_001854.4 (MANE Select); coding-DNA position 4708, C replaced by T.
Protein change: p.Leu1570Phe; replaces leucine 1570 with phenylalanine.
Molecular consequence: missense variant. On other transcripts: non-coding transcript variant (1).
Genome position (GRCh38, 1-based): chr1:102,886,957, G>A on the plus strand (C>T on the coding strand, the complement: COL11A1 is on the minus strand). VCF-style: chr1-102886957-G-A. GRCh37 (hg19) VCF-style: chr1-103352513-G-A.
Other names: c.4591C>T, p.Leu1531Phe (NM_001190709.2); c.4744C>T, p.Leu1582Phe (NM_080629.3); c.4360C>T, p.Leu1454Phe (NM_080630.4); short protein forms L1454F, L1531F, L1570F, L1582F.
Identifiers: ClinVar variation 4807368 (VCV004807368.1).

ClinVar aggregate classification (germline): Uncertain significance (1 of 4 stars; one submission).

Submission:

Labcorp Genetics (formerly Invitae), Labcorp
Classification: Uncertain significance. Last evaluated: 2025-02-27. Review status: criteria provided, single submitter. Criteria: Invitae Variant Classification Sherloc (09022015). Collection method: clinical testing. Allele origin: germline.
Comment: This sequence change replaces leucine, which is neutral and non-polar, with phenylalanine, which is neutral and non-polar, at codon 1570 of the COL11A1 protein (p.Leu1570Phe). This variant is not present in population databases (gnomAD no frequency). This variant has not been reported in the literature in individuals affected with COL11A1-related conditions. Invitae Evidence Modeling of protein sequence and biophysical properties (such as structural, functional, and spatial information, amino acid conservation, physicochemical variation, residue mobility, and thermodynamic stability) indicates that this missense variant is not expected to disrupt COL11A1 protein function with a negative predictive value of 95%. In summary, the available evidence is currently insufficient to determine the role of this variant in disease. Therefore, it has been classified as a Variant of Uncertain Significance.